The following is an entry in ClinVar:

ClinVar aggregate classification (germline): Uncertain significance. Review status: criteria provided, multiple submitters, no conflicts (2 of 4 stars). 2 submissions from 2 submitters: Uncertain significance (2). Last evaluated 2024-03-17.

Conditions:
Inborn genetic diseases. Identifiers: MedGen C0950123, MeSH D030342.
Very long chain acyl-CoA dehydrogenase deficiency (ACADVLD). Also called: Very Long-Chain Acyl-Coenzyme A Dehydrogenase Deficiency; VLCAD Deficiency. Identifiers: Orphanet 26793, MedGen C3887523, MONDO:0008723, OMIM 201475.

Allele frequency attached by ClinVar (database versions not stated): gnomAD exomes below 0.00001; ExAC 0.00001; gnomAD 0.00001; TOPMed 0.00002.
gnomAD v4.1: 5 of 1,613,978 alleles (0.00031%); highest among the groups gnomAD compares: African/African-American, 0.0013%; no homozygotes.

Submissions (2):

Ambry Genetics
Classification: Uncertain significance for Inborn genetic diseases. Last evaluated: 2024-03-17. Review status: criteria provided, single submitter. Criteria: Ambry Variant Classification Scheme 2023. Collection method: clinical testing. Allele origin: germline.
Comment: The p.R111H variant (also known as c.332G>A), located in coding exon 5 of the ACADVL gene, results from a G to A substitution at nucleotide position 332. The arginine at codon 111 is replaced by histidine, an amino acid with highly similar properties. This amino acid position is conserved. In addition, the in silico prediction for this alteration is inconclusive. Based on the available evidence, the clinical significance of this alteration remains unclear.

Labcorp Genetics (formerly Invitae), Labcorp
Classification: Uncertain significance for Very long chain acyl-CoA dehydrogenase deficiency. Last evaluated: 2022-02-27. Review status: criteria provided, single submitter. Criteria: Invitae Variant Classification Sherloc (09022015). Collection method: clinical testing. Allele origin: germline.
Comment: This sequence change replaces arginine, which is basic and polar, with histidine, which is basic and polar, at codon 111 of the ACADVL protein (p.Arg111His). This variant is present in population databases (no rsID available, gnomAD 0.007%). This variant has not been reported in the literature in individuals affected with ACADVL-related conditions. Algorithms developed to predict the effect of missense changes on protein structure and function are either unavailable or do not agree on the potential impact of this missense change (SIFT: "Deleterious"; PolyPhen-2: "Possibly Damaging"; Align-GVGD: "Class C0"). In summary, the available evidence is currently insufficient to determine the role of this variant in disease. Therefore, it has been classified as a Variant of Uncertain Significance.

NM_000018.4(ACADVL):c.332G>A (p.Arg111His)

Gene: ACADVL (acyl-CoA dehydrogenase very long chain; plus strand). Cytogenetic location: 17p13.1.
Variant type: single nucleotide variant.
Coding change: c.332G>A on transcript NM_000018.4 (MANE Select); coding-DNA position 332, G replaced by A.
Protein change: p.Arg111His; replaces arginine 111 with histidine.
Molecular consequence: missense variant.
Genome position (GRCh38, 1-based): chr17:7,220,820, G>A. VCF-style: chr17-7220820-G-A. GRCh37 (hg19) VCF-style: chr17-7124139-G-A.
Other names: c.266G>A, p.Arg89His (NM_001033859.3); c.401G>A, p.Arg134His (NM_001270447.2); c.104G>A, p.Arg35His (NM_001270448.2); c.332G>A (NM_000018.2); short protein forms R134H, R35H, R111H, R89H.
Identifiers: ClinVar variation 1433044 (VCV001433044.4), dbSNP rs958166043, ClinGen allele CA8337653.